The following is an entry in ClinVar:

ClinVar aggregate classification (germline): Pathogenic. Review status: criteria provided, multiple submitters, no conflicts (2 of 4 stars). 2 submissions from 2 submitters: Pathogenic (2). Last evaluated 2023-04-13.

Conditions:
Neurofibromatosis, type 1 (NF1). Also called: Peripheral type neurofibromatosis; Neurofibromatosis, type I; VON RECKLINGHAUSEN DISEASE; NEUROFIBROMATOSIS, TYPE I, SOMATIC. Identifiers: Orphanet 636, MedGen C0027831, MONDO:0018975, OMIM 162200. Disease mechanism: loss of function.
NF1-related disorder. Also called: NF1-related condition. Identifiers: MedGen CN379171.

Submissions (2):

Blueprint Genetics
Classification: Pathogenic for NF1-related disorders. Last evaluated: 2023-04-13. Review status: criteria provided, single submitter. Criteria: ACMG Guidelines, 2015. Collection method: clinical testing. Allele origin: germline. Affected: yes. Observed: 1 variant allele.

Regional Center For Medical Genetics Timis, Louis Turcanu Emergency Hospital for Children Timisoara
Classification: Pathogenic for Neurofibromatosis, type 1. Review status: criteria provided, single submitter. Criteria: ACMG Guidelines, 2015. Collection method: clinical testing. Allele origin: germline. Affected: yes.
Comment: This variant is absent in gnomAD. This variant generates a frameshift in exon 52 (of a total of 57 exons) resulting in a premature stop codon. This is predicted to lead to a loss of normal protein function, either through protein truncation or nonsense-mediated mRNA decay. Loss of function is an established disease-mechanism in NF1 gene. It has been also included in the NF1-LOVD mutation database. Therefore, this variant was classified as pathogenic.

NM_001042492.3(NF1):c.7824del (p.Val2609fs)

Gene: NF1 (neurofibromin 1; plus strand). Cytogenetic location: 17q11.2.
Variant type: Deletion.
Coding change: c.7824del on transcript NM_001042492.3 (MANE Select); coding-DNA position 7824, one base deleted (A; older notation c.7824delA).
Protein change: p.Val2609fs; shifts the reading frame from valine 2609.
Molecular consequence: frameshift variant.
Genome position (GRCh38, 1-based): chr17:31,357,045, A deleted; the last of 2 consecutive A bases (chr17:31,357,044-31,357,045); deleting either gives the same sequence. VCF-style (leftmost placement, unchanged base first): chr17-31357043-GA-G. GRCh37 (hg19) VCF-style: chr17-29684061-GA-G.
Other names: c.7761del, p.Val2588fs (NM_000267.4); short protein forms V2588fs, V2609fs.
Identifiers: ClinVar variation 4857612 (VCV004857612.2).